The following is an entry in ClinVar:

ClinVar aggregate classification (germline): Likely benign (1 of 4 stars; one submission).

Allele frequency attached by ClinVar (database versions not stated): ExAC 0.00003; gnomAD 0.00004; TOPMed 0.00005.
gnomAD v4.1: 59 of 1,613,806 alleles (0.0037%); highest among the groups gnomAD compares: Middle Eastern, 0.066%; no homozygotes.

Submission:

CeGaT Center for Human Genetics Tuebingen
Classification: Likely benign. Last evaluated: 2023-02-01. Review status: criteria provided, single submitter. Criteria: CeGaT Center For Human Genetics Tuebingen Variant Classification Criteria Version 2. Collection method: clinical testing. Allele origin: germline. Affected: yes. Observed: 1 variant allele.
Comment: APOL6: BP4, BP7

NM_030641.4(APOL6):c.375C>T (p.Ile125=)

Gene: APOL6 (apolipoprotein L6; plus strand). Cytogenetic location: 22q12.3.
Variant type: single nucleotide variant.
Coding change: c.375C>T on transcript NM_030641.4 (MANE Select); coding-DNA position 375, C replaced by T.
Protein change: p.Ile125=; no amino-acid change (isoleucine 125 retained).
Molecular consequence: synonymous variant.
Genome position (GRCh38, 1-based): chr22:35,658,939, C>T. VCF-style: chr22-35658939-C-T. GRCh37 (hg19) VCF-style: chr22-36054986-C-T.
Identifiers: ClinVar variation 2653093 (VCV002653093.24), dbSNP rs771515130, ClinGen allele CA10206165.